The following is an entry in ClinVar:

ClinVar aggregate classification (germline): Likely benign (1 of 4 stars; one submission).

Submission:

CeGaT Center for Human Genetics Tuebingen
Classification: Likely benign. Last evaluated: 2024-03-01. Review status: criteria provided, single submitter. Criteria: CeGaT Center For Human Genetics Tuebingen Variant Classification Criteria Version 2. Collection method: clinical testing. Allele origin: germline. Affected: yes. Observed: 9 variant alleles.
Comment: KDM1A: BS1

NM_001009999.3(KDM1A):c.2445+80del

Gene: KDM1A (lysine demethylase 1A; plus strand). Cytogenetic location: 1p36.12.
Variant type: Deletion.
Coding change: c.2445+80del on transcript NM_001009999.3 (MANE Select); 80 bases into the intron after coding-DNA position 2445, one base deleted (T; older notation c.2445+80delT).
Molecular consequence: intron variant.
Genome position (GRCh38, 1-based): chr1:23,082,446, T deleted; the last of 16 consecutive T bases (chr1:23,082,431-23,082,446); deleting any one gives the same sequence. VCF-style (leftmost placement, unchanged base first): chr1-23082430-AT-A. GRCh37 (hg19) VCF-style: chr1-23408923-AT-A.
Other names: c.2451+80del (NM_001410762.1); c.2391+80del (NM_001363654.2); c.2374-4del (NM_001410763.1); c.2373+80del (NM_015013.4).
Identifiers: ClinVar variation 2638480 (VCV002638480.24), dbSNP rs376287633, ClinGen allele CA19217631.